The following is an entry in ClinVar:

NM_015909.4(NBAS):c.915G>A (p.Met305Ile)

Gene: NBAS (NBAS subunit of NRZ tethering complex; minus strand). Cytogenetic location: 2p24.3.
Variant type: single nucleotide variant.
Coding change: c.915G>A on transcript NM_015909.4 (MANE Select); coding-DNA position 915, G replaced by A.
Protein change: p.Met305Ile; replaces methionine 305 with isoleucine.
Molecular consequence: missense variant. On other transcripts: non-coding transcript variant (1).
Genome position (GRCh38, 1-based): chr2:15,504,184, C>T on the plus strand (G>A on the coding strand, the complement: NBAS is on the minus strand). VCF-style: chr2-15504184-C-T. GRCh37 (hg19) VCF-style: chr2-15644308-C-T.
Other names: p.Met305Ile; short protein forms M305I.
Identifiers: ClinVar variation 1167078 (VCV001167078.19), dbSNP rs562939436, ClinGen allele CA1536865.

ClinVar aggregate classification (germline): Benign/Likely benign. Review status: criteria provided, multiple submitters, no conflicts (2 of 4 stars). 5 submissions from 5 submitters: Benign (2); Likely benign (3). Last evaluated 2026-01-15.

Allele frequency attached by ClinVar (database versions not stated): TOPMed 0.00002; gnomAD 0.00009; gnomAD exomes 0.00017 and 0.00032; ExAC 0.00042; 1000 Genomes Project 0.00060; 1000 Genomes Project 30x 0.00062.
gnomAD v4.1: 252 of 1,613,486 alleles (0.016%); highest among the groups gnomAD compares: South Asian, 0.25%; 2 homozygotes.

Submissions (5):

Labcorp Genetics (formerly Invitae), Labcorp
Classification: Benign. Last evaluated: 2026-01-15. Review status: criteria provided, single submitter. Criteria: Invitae Variant Classification Sherloc (09022015). Collection method: clinical testing. Allele origin: germline.

CeGaT Center for Human Genetics Tuebingen
Classification: Likely benign. Last evaluated: 2025-09-01. Review status: criteria provided, single submitter. Criteria: CeGaT Center For Human Genetics Tuebingen Variant Classification Criteria Version 2. Collection method: clinical testing. Allele origin: germline. Affected: yes. Observed: 1 variant allele.
Comment: NBAS: BP4

Mayo Clinic Laboratories, Mayo Clinic
Classification: Likely benign. Last evaluated: 2025-05-07. Review status: criteria provided, single submitter. Criteria: ACMG Guidelines, 2015. Collection method: clinical testing. Allele origin: germline. Observed: 1 variant allele.
Comment: BS1, BP4_moderate

Blueprint Genetics
Classification: Likely benign. Last evaluated: 2024-11-18. Review status: criteria provided, single submitter. Criteria: ACMG Guidelines, 2015. Collection method: clinical testing. Allele origin: germline.

Women's Health and Genetics/Laboratory Corporation of America, LabCorp
Classification: Benign. Last evaluated: 2022-07-01. Review status: criteria provided, single submitter. Criteria: LabCorp Variant Classification Summary - May 2015. Collection method: clinical testing. Allele origin: germline.
Comment: Variant summary: NBAS c.915G>A (p.Met305Ile) results in a conservative amino acid change located in the Neuroblastoma-amplified sequence, N-terminal domain (IPR029145) of the encoded protein sequence. Five of five in-silico tools predict a benign effect of the variant on protein function. The variant allele was found at a frequency of 0.00032 in 251330 control chromosomes, predominantly at a frequency of 0.0025 within the South Asian subpopulation in the gnomAD database, including 1 homozygote. The observed variant frequency within South Asian control individuals in the gnomAD database is approximately 2 fold of the estimated maximal expected allele frequency for a pathogenic variant in NBAS causing Liver Failure Acute Infantile, Type 2 phenotype (0.0011), strongly suggesting that the variant is a benign polymorphism found primarily in populations of South Asian origin. To our knowledge, no occurrence of c.915G>A in individuals affected with Liver Failure Acute Infantile, Type 2 and no experimental evidence demonstrating its impact on protein function have been reported. One clinical diagnostic laboratory has submitted clinical-significance assessments for this variant to ClinVar after 2014 without evidence for independent evaluation and classified the variant as benign. Based on the evidence outlined above, the variant was classified as benign.